The following is an entry in ClinVar:

NM_001388492.1(HTT):c.6220T>C (p.Ser2074Pro)

Gene: HTT (huntingtin; plus strand). Cytogenetic location: 4p16.3.
Variant type: single nucleotide variant.
Coding change: c.6220T>C on transcript NM_001388492.1 (MANE Select); coding-DNA position 6220, T replaced by C.
Protein change: p.Ser2074Pro; replaces serine 2074 with proline.
Molecular consequence: missense variant.
Genome position (GRCh38, 1-based): chr4:3,208,840, T>C. VCF-style: chr4-3208840-T-C. GRCh37 (hg19) VCF-style: chr4-3210567-T-C.
Other names: c.6226T>C, p.Ser2076Pro (NM_002111.8); short protein forms S2074P, S2076P.
Identifiers: ClinVar variation 1361939 (VCV001361939.6), dbSNP rs201646519, ClinGen allele CA2824972.
Genomic context (GRCh38, chr4:3,208,840, plus strand): 5'-AGGCTCTATTCCCTGCTGGACAGGTTTCGTCTCTCCACCATGCAAGACTCACTTAGTCCC[T>C]CTCCTCCAGTCTCTTCCCACCCGCTGGACGGGGATGGGCACGTGTCACTGGAAACAGTGA-3'
Protein context (NP_001375421.1, residues 2064-2084): LSTMQDSLSP[Ser2074Pro]PPVSSHPLDG

ClinVar aggregate classification (germline): Uncertain significance (1 of 4 stars; one submission).

Allele frequency attached by ClinVar (database versions not stated): gnomAD 0.00052 and 0.00050; ESP Exome Variant Server 0.00057; TOPMed 0.00070; 1000 Genomes Project 30x 0.00078; 1000 Genomes Project 0.00100; gnomAD exomes 0.00006 and 0.00012; ExAC 0.00015.
gnomAD v4.1: 159 of 1,614,086 alleles (0.0099%); highest among the groups gnomAD compares: African/African-American, 0.17%; no homozygotes.

Submission:

Labcorp Genetics (formerly Invitae), Labcorp
Classification: Uncertain significance. Last evaluated: 2022-08-15. Review status: criteria provided, single submitter. Criteria: Invitae Variant Classification Sherloc (09022015). Collection method: clinical testing. Allele origin: germline.
Comment: This variant has not been reported in the literature in individuals affected with HTT-related conditions. This sequence change replaces serine, which is neutral and polar, with proline, which is neutral and non-polar, at codon 2076 of the HTT protein (p.Ser2076Pro). This variant is present in population databases (rs201646519, gnomAD 0.2%). In summary, the available evidence is currently insufficient to determine the role of this variant in disease. Therefore, it has been classified as a Variant of Uncertain Significance. ClinVar contains an entry for this variant (Variation ID: 1361939). Experimental studies and prediction algorithms are not available or were not evaluated, and the functional significance of this variant is currently unknown.